The following is an entry in ClinVar:

NM_000428.3(LTBP2):c.4878G>A (p.Pro1626=)

Gene: LTBP2 (latent transforming growth factor beta binding protein 2; minus strand). Cytogenetic location: 14q24.3.
Variant type: single nucleotide variant.
Coding change: c.4878G>A on transcript NM_000428.3 (MANE Select); coding-DNA position 4878, G replaced by A.
Protein change: p.Pro1626=; no amino-acid change (proline 1626 retained).
Molecular consequence: synonymous variant.
Genome position (GRCh38, 1-based): chr14:74,503,229, C>T on the plus strand (G>A on the coding strand, the complement: LTBP2 is on the minus strand). VCF-style: chr14-74503229-C-T. GRCh37 (hg19) VCF-style: chr14-74969932-C-T.
Other names: c.4878G>A (NM_000428.2).
Identifiers: ClinVar variation 1921435 (VCV001921435.9), dbSNP rs371023355, ClinGen allele CA7268612.

ClinVar aggregate classification (germline): Likely benign. Review status: criteria provided, multiple submitters, no conflicts (2 of 4 stars). 3 submissions from 3 submitters: Likely benign (2). 1 of the submissions does not count toward it. Last evaluated 2026-02-01.

Conditions:
LTBP2-related disorder. Also called: LTBP2-related condition; LTBP2-related disorders.

Allele frequency attached by ClinVar (database versions not stated): gnomAD exomes 0.00002; gnomAD 0.00003; TOPMed 0.00003; ExAC 0.00004; 1000 Genomes Project 30x 0.00016; 1000 Genomes Project 0.00020.
gnomAD v4.1: 31 of 1,614,022 alleles (0.0019%); highest among the groups gnomAD compares: Admixed American, 0.0033%; no homozygotes.

Submissions (4):

Labcorp Genetics (formerly Invitae), Labcorp
Classification: Likely benign. Last evaluated: 2026-02-01. Review status: criteria provided, single submitter. Criteria: Invitae Variant Classification Sherloc (09022015). Collection method: clinical testing. Allele origin: germline.

Blueprint Genetics
Classification: Likely benign. Last evaluated: 2023-04-20. Review status: criteria provided, single submitter. Criteria: ACMG Guidelines, 2015. Collection method: clinical testing. Allele origin: germline.

PreventionGenetics, part of Exact Sciences
Classification: Likely benign for LTBP2-related condition. Last evaluated: 2020-09-22. Review status: no assertion criteria provided. Collection method: clinical testing. Allele origin: germline. Not counted in ClinVar's aggregate classification.
Comment: This variant is classified as likely benign based on ACMG/AMP sequence variant interpretation guidelines (Richards et al. 2015 PMID: 25741868, with internal and published modifications).

Dr. Peter K. Rogan Lab, Western University
No classification provided (evidence only). Condition: Papillary renal cell carcinoma type 1. Review status: no classification provided. Collection method: in vitro. Allele origin: not applicable. Functional consequence: retained intron. Not counted in ClinVar's aggregate classification.